The following is an entry in ClinVar:

NM_001330.5(CTF1):c.347C>G (p.Pro116Arg)

Genes: CTF1 (cardiotrophin 1; plus strand), LOC130058878 (ATAC-STARR-seq lymphoblastoid silent region 7400; plus strand). Cytogenetic location: 16p11.2.
Variant type: single nucleotide variant.
Coding change: c.347C>G on transcript NM_001330.5 (MANE Select); coding-DNA position 347, C replaced by G.
Protein change: p.Pro116Arg; replaces proline 116 with arginine.
Molecular consequence: missense variant. On other transcripts: non-coding transcript variant (1).
Genome position (GRCh38, 1-based): chr16:30,902,280, C>G. VCF-style: chr16-30902280-C-G. GRCh37 (hg19) VCF-style: chr16-30913601-C-G.
Other names: c.344C>G, p.Pro115Arg (NM_001142544.3); short protein forms P116R, P115R.
Identifiers: ClinVar variation 318955 (VCV000318955.13), dbSNP rs886051924, ClinGen allele CA10643471.

ClinVar aggregate classification (germline): Uncertain significance. Review status: criteria provided, multiple submitters, no conflicts (2 of 4 stars). 2 submissions from 2 submitters: Uncertain significance (2). Last evaluated 2023-10-24.

Allele frequency attached by ClinVar (database versions not stated): TOPMed 0.00002.

Submissions (2):

Labcorp Genetics (formerly Invitae), Labcorp
Classification: Uncertain significance. Last evaluated: 2023-10-24. Review status: criteria provided, single submitter. Criteria: Invitae Variant Classification Sherloc (09022015). Collection method: clinical testing. Allele origin: germline.
Comment: This sequence change replaces proline, which is neutral and non-polar, with arginine, which is basic and polar, at codon 116 of the CTF1 protein (p.Pro116Arg). The frequency data for this variant in the population databases is considered unreliable, as metrics indicate insufficient coverage at this position in the gnomAD database. This variant has not been reported in the literature in individuals affected with CTF1-related conditions. ClinVar contains an entry for this variant (Variation ID: 318955). Algorithms developed to predict the effect of missense changes on protein structure and function output the following: SIFT: "Not Available"; PolyPhen-2: "Benign"; Align-GVGD: "Not Available". The arginine amino acid residue is found in multiple mammalian species, which suggests that this missense change does not adversely affect protein function. In summary, the available evidence is currently insufficient to determine the role of this variant in disease. Therefore, it has been classified as a Variant of Uncertain Significance.

Ambry Genetics
Classification: Uncertain significance. Last evaluated: 2021-09-01. Review status: criteria provided, single submitter. Criteria: Ambry Variant Classification Scheme 2023. Collection method: clinical testing. Allele origin: germline.